The following is an entry in ClinVar:

ClinVar aggregate classification (germline): Likely benign (0 of 4 stars; one submission).

Conditions:
CLDN1-related disorder. Also called: CLDN1-related condition.

Submission:

PreventionGenetics, part of Exact Sciences
Classification: Likely benign for CLDN1-related condition. Last evaluated: 2021-11-22. Review status: no assertion criteria provided. Collection method: clinical testing. Allele origin: germline.
Comment: This variant is classified as likely benign based on ACMG/AMP sequence variant interpretation guidelines (Richards et al. 2015 PMID: 25741868, with internal and published modifications).

NM_021101.5(CLDN1):c.408C>T (p.Ala136=)

Genes: CLDN1 (claudin 1; minus strand), CLDN16 (claudin 16; plus strand). Cytogenetic location: 3q28.
Variant type: single nucleotide variant.
Coding change: c.408C>T on transcript NM_021101.5 (MANE Select); coding-DNA position 408, C replaced by T.
Protein change: p.Ala136=; no amino-acid change (alanine 136 retained).
Molecular consequence: synonymous variant. On other transcripts: intron variant (2).
Genome position (GRCh38, 1-based): chr3:190,310,234, G>A on the plus strand (C>T on the coding strand, the complement: CLDN1 is on the minus strand). VCF-style: chr3-190310234-G-A. GRCh37 (hg19) VCF-style: chr3-190028023-G-A.
Other names: c.-445-4659G>A (NM_001378492.1); c.-279+19643G>A (NM_001378493.1).
Identifiers: ClinVar variation 3061649 (VCV003061649.2), dbSNP rs2473893937, ClinGen allele CA437416693.